The following is an entry in ClinVar:

ClinVar aggregate classification (germline): Uncertain significance (1 of 4 stars; one submission).

Conditions:
Pulmonary fibrosis and/or bone marrow failure, Telomere-related, 3. Also called: PULMONARY FIBROSIS AND/OR BONE MARROW FAILURE SYNDROME, TELOMERE-RELATED, 3. Identifiers: Orphanet 2032, MedGen C4225346, MONDO:0014613, OMIM 616373.
Dyskeratosis congenita, autosomal recessive 5 (DKCB5). Identifiers: MedGen C3554656, MONDO:0014076, OMIM 615190.

Submission:

Labcorp Genetics (formerly Invitae), Labcorp
Classification: Uncertain significance for Dyskeratosis congenita, autosomal recessive 5; Pulmonary fibrosis and/or bone marrow failure, Telomere-related, 3. Last evaluated: 2021-08-31. Review status: criteria provided, single submitter. Criteria: Invitae Variant Classification Sherloc (09022015). Collection method: clinical testing. Allele origin: germline.
Comment: This sequence change replaces glutamic acid with glycine at codon 1020 of the RTEL1 protein (p.Glu1020Gly). The glutamic acid residue is weakly conserved and there is a moderate physicochemical difference between glutamic acid and glycine. This variant is not present in population databases (ExAC no frequency). This variant has not been reported in the literature in individuals affected with RTEL1-related conditions. Algorithms developed to predict the effect of missense changes on protein structure and function output the following: SIFT: "Tolerated"; PolyPhen-2: "Benign"; Align-GVGD: "Class C0". The glycine amino acid residue is found in multiple mammalian species, which suggests that this missense change does not adversely affect protein function. In summary, the available evidence is currently insufficient to determine the role of this variant in disease. Therefore, it has been classified as a Variant of Uncertain Significance.

NM_001283009.2(RTEL1):c.3059A>G (p.Glu1020Gly)

Genes: RTEL1 (regulator of telomere elongation helicase 1; plus strand), RTEL1-TNFRSF6B (RTEL1-TNFRSF6B readthrough (NMD candidate); plus strand). Cytogenetic location: 20q13.33.
Variant type: single nucleotide variant.
Coding change: c.3059A>G on transcript NM_001283009.2 (MANE Select); coding-DNA position 3059, A replaced by G.
Protein change: p.Glu1020Gly; replaces glutamic acid 1020 with glycine.
Molecular consequence: missense variant. On other transcripts: non-coding transcript variant (1).
Genome position (GRCh38, 1-based): chr20:63,694,438, A>G. VCF-style: chr20-63694438-A-G. GRCh37 (hg19) VCF-style: chr20-62325791-A-G.
Other names: c.2390A>G, p.Glu797Gly (NM_001283010.1); c.3059A>G, p.Glu1020Gly (NM_016434.4); c.3131A>G, p.Glu1044Gly (NM_032957.5); short protein forms E1044G, E1020G, E797G.
Identifiers: ClinVar variation 845187 (VCV000845187.3), dbSNP rs2090914407, ClinGen allele CA409684551.
Genomic context (GRCh38, chr20:63,694,438, plus strand): 5'-CGGCGCCGGATCCCAAGCTGACCGTGTCCACGGCTGCAGCCCAGCAGCTGGACCCCCAAG[A>G]GCACCTGAACCAGGGCAGGCCCCACCTGTCGCCCAGGCCACCCCCAACAGGTAGCTGACT-3'
Protein context (NP_001269938.1, residues 1010-1030): TAAAQQLDPQ[Glu1020Gly]HLNQGRPHLS